The following is an entry in ClinVar:

ClinVar aggregate classification (germline): Benign. Review status: criteria provided, multiple submitters, no conflicts (2 of 4 stars). 2 submissions from 2 submitters: Benign (2). Last evaluated 2018-06-14.

Allele frequency attached by ClinVar (database versions not stated): TOPMed 0.02331; 1000 Genomes Project 0.02656; 1000 Genomes Project 30x 0.02920.
gnomAD v4.1: 5,188 of 1,150,946 alleles (0.45%); highest among the groups gnomAD compares: African/African-American, 7%; 174 homozygotes.

Submissions (9):

GeneDx
Classification: Benign. Last evaluated: 2018-06-14. Review status: criteria provided, single submitter. Criteria: GeneDx Variant Classification (06012015). Collection method: clinical testing. Allele origin: germline. Affected: yes.
Comment: This variant is considered likely benign or benign based on one or more of the following criteria: it is a conservative change, it occurs at a poorly conserved position in the protein, it is predicted to be benign by multiple in silico algorithms, and/or has population frequency not consistent with disease.

Breakthrough Genomics
Classification: Benign. Review status: criteria provided, single submitter. Criteria: ACMG Guidelines, 2015. Collection method: not provided. Allele origin: germline. Inheritance: Autosomal recessive inheritance. Affected: yes.

Dr. Peter K. Rogan Lab, Western University
No classification provided (evidence only). Condition: Uterine corpus endometrial carcinoma. Review status: no classification provided. Collection method: in vitro. Allele origin: not applicable. Functional consequence: retained intron. Not counted in ClinVar's aggregate classification.

Dr. Peter K. Rogan Lab, Western University
No classification provided (evidence only). Condition: Uterine corpus endometrial carcinoma. Review status: no classification provided. Collection method: in vitro. Allele origin: not applicable. Functional consequence: retained intron. Not counted in ClinVar's aggregate classification.

Dr. Peter K. Rogan Lab, Western University
No classification provided (evidence only). Condition: Cervical cancer. Review status: no classification provided. Collection method: in vitro. Allele origin: not applicable. Functional consequence: retained intron. Not counted in ClinVar's aggregate classification.

Dr. Peter K. Rogan Lab, Western University
No classification provided (evidence only). Condition: Sarcoma. Review status: no classification provided. Collection method: in vitro. Allele origin: not applicable. Functional consequence: retained intron. Not counted in ClinVar's aggregate classification.

Dr. Peter K. Rogan Lab, Western University
No classification provided (evidence only). Condition: Cholangiocarcinoma. Review status: no classification provided. Collection method: in vitro. Allele origin: not applicable. Functional consequence: retained intron. Not counted in ClinVar's aggregate classification.

Dr. Peter K. Rogan Lab, Western University
No classification provided (evidence only). Condition: Ovarian serous cystadenocarcinoma. Review status: no classification provided. Collection method: in vitro. Allele origin: not applicable. Functional consequence: retained intron. Not counted in ClinVar's aggregate classification.

Dr. Peter K. Rogan Lab, Western University
No classification provided (evidence only). Condition: Ovarian serous cystadenocarcinoma. Review status: no classification provided. Collection method: in vitro. Allele origin: not applicable. Functional consequence: retained intron. Not counted in ClinVar's aggregate classification.

NM_020247.5(COQ8A):c.853+156G>A

Gene: COQ8A (coenzyme Q8A; plus strand). Cytogenetic location: 1q42.13.
Variant type: single nucleotide variant.
Coding change: c.853+156G>A on transcript NM_020247.5 (MANE Select); 156 bases into the intron after coding-DNA position 853, G replaced by A.
Molecular consequence: intron variant.
Genome position (GRCh38, 1-based): chr1:226,982,305, G>A. VCF-style: chr1-226982305-G-A. GRCh37 (hg19) VCF-style: chr1-227170006-G-A.
Other names: NC_000001.10:g.227170006G>A.
Identifiers: ClinVar variation 679657 (VCV000679657.3), dbSNP rs76213739, ClinGen allele CA38644665.
Genomic context (GRCh38, chr1:226,982,305, plus strand): 5'-GGGCAAGATGTGAGCAGGCTGGGGAGAGATCTTAGAAGATAATAGGCCTGGTCTCCAGAC[G>A]GGTGGCTCTGGGTCCAAAGAAACACATGGAATAAAGAGCAGAGAGGAAAAATTGCTCTCT-3'